The following is an entry in ClinVar:

ClinVar aggregate classification (germline): Conflicting classifications of pathogenicity. Review status: criteria provided, conflicting classifications (1 of 4 stars). 6 submissions from 6 submitters: Uncertain significance (1); Benign (1); Likely benign (3). 1 of the submissions does not count toward it. Last evaluated 2026-01-25.

Conditions:
Hereditary cancer-predisposing syndrome. Also called: Tumor predisposition; Hereditary Cancer Syndrome; Hereditary neoplastic syndrome; Neoplastic Syndromes, Hereditary. Identifiers: Orphanet 140162, MedGen C0027672, MeSH D009386, MONDO:0015356.
Peutz-Jeghers syndrome (PJS). Also called: POLYPOSIS, HAMARTOMATOUS INTESTINAL; POLYPS-AND-SPOTS SYNDROME; Peutz-Jeghers polyposis; Periorificial lentiginosis syndrome. Identifiers: Orphanet 2869, MedGen C0031269, MeSH D010580, MONDO:0008280, OMIM 175200.
Malignant tumor of breast. Also called: Cancer breast; Malignant breast neoplasm. Identifiers: MedGen C0006142, MONDO:0007254. Disease mechanism: loss of function.

Allele frequency attached by ClinVar (database versions not stated): gnomAD exomes 0.00002 and 0.00001.
gnomAD v4.1: 17 of 1,055,824 alleles (0.0016%); highest among the groups gnomAD compares: East Asian, 0.043%; no homozygotes.

Submissions (6):

Labcorp Genetics (formerly Invitae), Labcorp
Classification: Likely benign for Peutz-Jeghers syndrome. Last evaluated: 2026-01-25. Review status: criteria provided, single submitter. Criteria: Invitae Variant Classification Sherloc (09022015). Collection method: clinical testing. Allele origin: germline.

Myriad Genetics, Inc.
Classification: Benign for Peutz-Jeghers syndrome. Last evaluated: 2025-03-26. Review status: criteria provided, single submitter. Criteria: Myriad Autosomal Dominant, Autosomal Recessive and X-Linked Classification Criteria (2023). Collection method: clinical testing. Allele origin: unknown.
Comment: This variant is considered benign. This variant is a silent/synonymous amino acid change and it is not expected to impact splicing.

Center for Genomic Medicine, Rigshospitalet, Copenhagen University Hospital
Classification: Uncertain significance. Last evaluated: 2025-03-04. Review status: criteria provided, single submitter. Criteria: ACMG Guidelines, 2015. Collection method: clinical testing. Allele origin: germline.

Color Diagnostics, LLC DBA Color Health
Classification: Likely benign for Hereditary cancer-predisposing syndrome. Last evaluated: 2018-06-20. Review status: criteria provided, single submitter. Criteria: ACMG Guidelines, 2015. Collection method: clinical testing. Allele origin: germline.

Ambry Genetics
Classification: Likely benign for Hereditary cancer-predisposing syndrome. Last evaluated: 2014-10-14. Review status: criteria provided, single submitter. Criteria: Ambry Variant Classification Scheme 2023. Collection method: clinical testing. Allele origin: germline.

Department of Pathology and Laboratory Medicine, Sinai Health System
Classification: Uncertain significance for Malignant tumor of breast. Review status: no assertion criteria provided. Collection method: clinical testing. Allele origin: unknown. Affected: yes. Observed: 1 variant allele. Study: The Canadian Open Genetics Repository (COGR). Not counted in ClinVar's aggregate classification.
Comment: The STK11 p.His154= variant was not identified in the literature nor was it identified in the LOVD 3.0, database. The variant was identified in dbSNP (ID: rs786201418) as "With Likely benign allele", ClinVar (classified as likely benign by Ambry Genetics and Invitae).The variant was identified in control databases in 2 of 191394 chromosomes at a frequency of 0.00001 (Genome Aggregation Database Feb 27, 2017). The variant was observed in the following populations: Latino in 1 of 28254 chromosomes (freq: 0.000035), East Asian in 1 of 13542 chromosomes (freq: 0.00007), while the variant was not observed in the African, Other, European Non-Finnish, Ashkenazi Jewish, European Finnish, and South Asian populations. The p.His154= variant is not expected to have clinical significance because it does not result in a change of amino acid. The variant occurs outside of the splicing consensus sequence and 1 of 5 in silico or computational prediction software programs (SpliceSiteFinder, MaxEntScan, NNSPLICE, GeneSplicer) predict a difference in splicing. In summary, based on the above information the clinical significance of this variant cannot be determined with certainty at this time. This variant is classified as a variant of uncertain significance.

NM_000455.5(STK11):c.462C>T (p.His154=)

Gene: STK11 (serine/threonine kinase 11; plus strand). Cytogenetic location: 19p13.3.
Variant type: single nucleotide variant.
Coding change: c.462C>T on transcript NM_000455.5 (MANE Select); coding-DNA position 462, C replaced by T.
Protein change: p.His154=; no amino-acid change (histidine 154 retained).
Molecular consequence: synonymous variant.
Genome position (GRCh38, 1-based): chr19:1,219,411, C>T. VCF-style: chr19-1219411-C-T. GRCh37 (hg19) VCF-style: chr19-1219410-C-T.
Identifiers: ClinVar variation 184352 (VCV000184352.28), dbSNP rs786201418, ClinGen allele CA022972.
Genomic context (GRCh38, chr19:1,219,411, plus strand): 5'-TGGCATGCAGGAAATGCTGGACAGCGTGCCGGAGAAGCGTTTCCCAGTGTGCCAGGCCCA[C>T]GGGTGCGTGCGCGGGGCAGGGGCCAGGGTGGGGCGGGGGCCGGGGGCCAGGCAGGGCAGG-3'
Protein context (NP_000446.1, residues 144-164): PEKRFPVCQA[His154=]GYFCQLIDGL